The following is an entry in ClinVar:

ClinVar aggregate classification (germline): Conflicting classifications of pathogenicity. Review status: criteria provided, conflicting classifications (1 of 4 stars). 18 submissions from 14 submitters: Uncertain significance (4); Benign (5); Likely benign (5). 4 of the submissions do not count toward it. Last evaluated 2026-06-29.

Conditions:
TTN-related disorder. Also called: TTN-related condition; TTN-related disease; TTN-related disorders.
Dilated cardiomyopathy 1G (CMD1G). Identifiers: Orphanet 154, MedGen C1858763, MONDO:0011400, OMIM 604145.
Autosomal recessive limb-girdle muscular dystrophy type 2J (LGMDR10). Also called: Limb-girdle muscular dystrophy, type 2J; MUSCULAR DYSTROPHY, LIMB-GIRDLE, AUTOSOMAL RECESSIVE 10. Identifiers: Orphanet 140922, MedGen C1837342, MONDO:0012127, OMIM 608807.
Cardiomyopathy (CMYO). Also called: Cardiomyopathies. Identifiers: Orphanet 167848, MedGen C0878544, MONDO:0004994, HP:0001638. Inheritance: Various modes of inheritance.
Early-onset myopathy with fatal cardiomyopathy (CMYO5). Also called: Salih Myopathy; CONGENITAL MYOPATHY 5 WITH CARDIOMYOPATHY. Identifiers: Orphanet 289377, MedGen C2673677, MONDO:0012714, OMIM 611705. Disease mechanism: loss of function.
Myopathy, myofibrillar, 9, with early respiratory failure (MFM9). Also called: Hereditary myopathy with early respiratory failure; Myopathy, distal, with early respiratory failure, autosomal dominant; EDSTROM MYOPATHY; MYOPATHY, PROXIMAL, WITH EARLY RESPIRATORY MUSCLE INVOLVEMENT. Identifiers: Orphanet 178464, Orphanet 34521, MedGen C1863599, MONDO:0011362, OMIM 603689.
Tibial muscular dystrophy (TMD). Also called: Udd Distal Myopathy – Tibial Muscular Dystrophy; Tibial muscular dystrophy, tardive; UDD MYOPATHY. Identifiers: Orphanet 609, MedGen C1838244, MONDO:0010870, OMIM 600334.

Allele frequency attached by ClinVar (database versions not stated): TOPMed 0.00013; gnomAD 0.00029; ESP Exome Variant Server 0.00050.
gnomAD v4.1: 413 of 1,613,580 alleles (0.026%); highest among the groups gnomAD compares: Non-Finnish European, 0.031%; no homozygotes.

Submissions (18):

Women's Health and Genetics/Laboratory Corporation of America, LabCorp
Classification: Likely benign. Last evaluated: 2026-06-29. Review status: criteria provided, single submitter. Criteria: LabCorp Variant Classification Summary - May 2015. Collection method: clinical testing. Allele origin: germline.
Comment: Variant summary: TTN c.23766G>A alters a conserved nucleotide resulting in a synonymous change. Consensus agreement among computation tools predict no significant impact on normal splicing. However, these predictions have yet to be confirmed by functional studies. The variant allele was found at a frequency of 0.00032 in 249002 control chromosomes. This frequency is not significantly higher than estimated for disease-causing variants in TTN, allowing no conclusion about variant significance. c.23766G>A has been observed in at least one individual with dilated cardiomyopathy, without strong evidence of causality (example: Pugh_2014). This report does not provide unequivocal conclusions about association of the variant with disease. To our knowledge, no experimental evidence demonstrating an impact on protein function has been reported. ClinVar contains an entry for this variant (Variation ID: 46795). Based on the evidence outlined above, the variant was classified as likely benign.

Labcorp Genetics (formerly Invitae), Labcorp
Classification: Likely benign for Dilated cardiomyopathy 1G; Autosomal recessive limb-girdle muscular dystrophy type 2J. Last evaluated: 2025-12-26. Review status: criteria provided, single submitter. Criteria: Invitae Variant Classification Sherloc (09022015). Collection method: clinical testing. Allele origin: germline.

CeGaT Center for Human Genetics Tuebingen
Classification: Likely benign. Last evaluated: 2025-04-01. Review status: criteria provided, single submitter. Criteria: CeGaT Center For Human Genetics Tuebingen Variant Classification Criteria Version 2. Collection method: clinical testing. Allele origin: germline. Affected: yes. Observed: 4 variant alleles.
Comment: TTN: BP4, BP7

Laboratory of Genetics, Children's Clinical University Hospital Latvia
Classification: Benign. Last evaluated: 2025-02-16. Review status: criteria provided, single submitter. Criteria: ACMG Guidelines, 2015. Collection method: clinical testing. Allele origin: germline. Affected: yes.

Blueprint Genetics
Classification: Likely benign. Last evaluated: 2024-11-11. Review status: criteria provided, single submitter. Criteria: ACMG Guidelines, 2015. Collection method: clinical testing. Allele origin: germline.

CHEO Genetics Diagnostic Laboratory, Children's Hospital of Eastern Ontario
Classification: Benign for Cardiomyopathy. Last evaluated: 2018-03-09. Review status: criteria provided, single submitter. Criteria: ACMG Guidelines, 2015. Collection method: clinical testing. Allele origin: germline.

Illumina Laboratory Services, Illumina
Classification: Uncertain significance for Dilated cardiomyopathy 1G. Last evaluated: 2018-01-12. Review status: criteria provided, single submitter. Criteria: ICSL Variant Classification Criteria 13 December 2019. Collection method: clinical testing. Allele origin: germline.

Illumina Laboratory Services, Illumina
Classification: Uncertain significance for Early-onset myopathy with fatal cardiomyopathy. Last evaluated: 2018-01-12. Review status: criteria provided, single submitter. Criteria: ICSL Variant Classification Criteria 13 December 2019. Collection method: clinical testing. Allele origin: germline.

Illumina Laboratory Services, Illumina
Classification: Benign for Tibial muscular dystrophy. Last evaluated: 2018-01-12. Review status: criteria provided, single submitter. Criteria: ICSL Variant Classification Criteria 13 December 2019. Collection method: clinical testing. Allele origin: germline.
Comment: This variant was observed in the ICSL laboratory as part of a predisposition screen in an ostensibly healthy population. It had not been previously curated by ICSL or reported in the Human Gene Mutation Database (HGMD: prior to June 1st, 2018), and was therefore a candidate for classification through an automated scoring system. Utilizing variant allele frequency, disease prevalence and penetrance estimates, and inheritance mode, an automated score was calculated to assess if this variant is too frequent to cause the disease. Based on the score and internal cut-off values, a variant classified as benign is not then subjected to further curation. The score for this variant resulted in a classification of benign for this disease.

Illumina Laboratory Services, Illumina
Classification: Uncertain significance for Autosomal recessive limb-girdle muscular dystrophy type 2J. Last evaluated: 2018-01-12. Review status: criteria provided, single submitter. Criteria: ICSL Variant Classification Criteria 13 December 2019. Collection method: clinical testing. Allele origin: germline.

Illumina Laboratory Services, Illumina
Classification: Benign for Myopathy, myofibrillar, 9, with early respiratory failure. Last evaluated: 2018-01-12. Review status: criteria provided, single submitter. Criteria: ICSL Variant Classification Criteria 13 December 2019. Collection method: clinical testing. Allele origin: germline.
Comment: the same text as in the submission from Illumina Laboratory Services, Illumina above.

GeneDx
Classification: Benign. Last evaluated: 2015-10-29. Review status: criteria provided, single submitter. Criteria: GeneDx Variant Classification (06012015). Collection method: clinical testing. Allele origin: germline. Affected: yes.
Comment: This variant is considered likely benign or benign based on one or more of the following criteria: it is a conservative change, it occurs at a poorly conserved position in the protein, it is predicted to be benign by multiple in silico algorithms, and/or has population frequency not consistent with disease.

Eurofins Ntd Llc (ga)
Classification: Uncertain significance. Last evaluated: 2015-02-05. Review status: criteria provided, single submitter. Criteria: EGL Classification Definitions 2015. Collection method: clinical testing. Allele origin: germline. Observed: 4 variant alleles, 4 heterozygotes.

Laboratory for Molecular Medicine, Mass General Brigham Personalized Medicine
Classification: Likely benign. Last evaluated: 2011-11-16. Review status: criteria provided, single submitter. Criteria: LMM Criteria. Collection method: clinical testing. Allele origin: germline. Observed: 1 variant allele.
Comment: Ser7922Ser in exon 92 of TTN: This variant does not change an amino acid and doe s not affect the splice consensus sequence. This makes a disease causing role ve ry unlikely. Ser7922Ser in exon 92 of TTN (allele frequency = n/a)

PreventionGenetics, part of Exact Sciences
Classification: Likely benign for TTN-related condition. Last evaluated: 2019-12-03. Review status: no assertion criteria provided. Collection method: clinical testing. Allele origin: germline. Not counted in ClinVar's aggregate classification.
Comment: This variant is classified as likely benign based on ACMG/AMP sequence variant interpretation guidelines (Richards et al. 2015 PMID: 25741868, with internal and published modifications).

Clinical Genetics DNA and cytogenetics Diagnostics Lab, Erasmus MC, Erasmus Medical Center
Classification: Likely benign. Review status: no assertion criteria provided. Collection method: clinical testing. Allele origin: germline. Affected: yes. Study: VKGL Data-share Consensus. Not counted in ClinVar's aggregate classification.

Clinical Genetics, Academic Medical Center
Classification: Benign. Review status: no assertion criteria provided. Collection method: clinical testing. Allele origin: germline. Affected: yes. Study: VKGL Data-share Consensus. Not counted in ClinVar's aggregate classification.

Joint Genome Diagnostic Labs from Nijmegen and Maastricht, Radboudumc and MUMC+
Classification: Likely benign. Review status: no assertion criteria provided. Collection method: clinical testing. Allele origin: germline. Affected: yes. Study: VKGL Data-share Consensus. Not counted in ClinVar's aggregate classification.

Literature cited by the submitters: PubMed 24503780 (cited by Women's Health and Genetics/Laboratory Corporation of America, LabCorp).

NM_001267550.2(TTN):c.27498G>A (p.Ser9166=)

Gene: TTN (titin; minus strand). Cytogenetic location: 2q31.2.
Variant type: single nucleotide variant.
Coding change: c.27498G>A on transcript NM_001267550.2 (MANE Select); coding-DNA position 27498, G replaced by A.
Protein change: p.Ser9166=; no amino-acid change (serine 9166 retained).
Molecular consequence: synonymous variant. On other transcripts: intron variant (3).
Genome position (GRCh38, 1-based): chr2:178,712,424, C>T on the plus strand (G>A on the coding strand, the complement: TTN is on the minus strand). VCF-style: chr2-178712424-C-T. GRCh37 (hg19) VCF-style: chr2-179577151-C-T.
Other names: c.26547G>A, p.Ser8849= (NM_001256850.1); c.23766G>A, p.Ser7922= (NM_133378.4); c.13282+25658G>A (NM_003319.4); c.13858+25658G>A (NM_133437.4); c.13657+25658G>A (NM_133432.3).
Identifiers: ClinVar variation 46795 (VCV000046795.72), dbSNP rs372528823, ClinGen allele CA139209.